The following is an entry in ClinVar:

NM_138576.4(BCL11B):c.426A>G (p.Ala142=)

Gene: BCL11B (BCL11 transcription factor B; minus strand). Cytogenetic location: 14q32.2.
Variant type: single nucleotide variant.
Coding change: c.426A>G on transcript NM_138576.4 (MANE Select); coding-DNA position 426, A replaced by G.
Protein change: p.Ala142=; no amino-acid change (alanine 142 retained).
Molecular consequence: synonymous variant.
Genome position (GRCh38, 1-based): chr14:99,257,472, T>C on the plus strand (A>G on the coding strand, the complement: BCL11B is on the minus strand). VCF-style: chr14-99257472-T-C. GRCh37 (hg19) VCF-style: chr14-99723809-T-C.
Other names: c.423A>G, p.Ala141= (NM_001282237.2, NM_001282238.2); c.426A>G, p.Ala142= (NM_022898.3).
Identifiers: ClinVar variation 4686150 (VCV004686150.1).

ClinVar aggregate classification (germline): Uncertain significance (1 of 4 stars; one submission).

Submission:

GeneDx
Classification: Uncertain significance. Last evaluated: 2025-07-13. Review status: criteria provided, single submitter. Criteria: GeneDx Variant Classification Process June 2021. Collection method: clinical testing. Allele origin: germline. Affected: yes.
Comment: Not observed at significant frequency in large population cohorts (gnomAD); In silico analysis suggests that this variant does not alter splicing; Has not been previously published as pathogenic or benign to our knowledge